The following is an entry in ClinVar:

NM_001349253.2(SCN11A):c.1865C>T (p.Ala622Val)

Gene: SCN11A (sodium voltage-gated channel alpha subunit 11; minus strand). Cytogenetic location: 3p22.2.
Variant type: single nucleotide variant.
Coding change: c.1865C>T on transcript NM_001349253.2 (MANE Select); coding-DNA position 1865, C replaced by T.
Protein change: p.Ala622Val; replaces alanine 622 with valine.
Molecular consequence: missense variant.
Genome position (GRCh38, 1-based): chr3:38,900,051, G>A on the plus strand (C>T on the coding strand, the complement: SCN11A is on the minus strand). VCF-style: chr3-38900051-G-A. GRCh37 (hg19) VCF-style: chr3-38941542-G-A.
Other names: c.1865C>T, p.Ala622Val (NM_014139.3); short protein forms A622V.
Identifiers: ClinVar variation 1500464 (VCV001500464.8), dbSNP rs766907203, ClinGen allele CA352162046.
Genomic context (GRCh38, chr3:38,900,051, plus strand): 5'-TTCCAGCCTCGGCGAAAGTAGTGGTAGGGATCGAGCGCAATGATTTTTAGGCACATTTCT[G>A]CTATAAAAATGCTAGTGAAAACCTAGAGTGGGACAAAGAAGAATGAGAGAAGGAAGCTGC-3'
Protein context (NP_001336182.1, residues 612-632): GNLVFTSIFI[Ala622Val]EMCLKIIALD

ClinVar aggregate classification (germline): Uncertain significance (1 of 4 stars; one submission).

Conditions:
Hereditary sensory and autonomic neuropathy type 7. Also called: HSAN VII; Neuropathy, hereditary sensory and autonomic, type VII. Identifiers: Orphanet 391397, MedGen C3809882, MONDO:0014244, OMIM 615548.
Familial episodic pain syndrome with predominantly lower limb involvement. Also called: Episodic pain syndrome, familial, 3. Identifiers: Orphanet 391384, Orphanet 391392, MedGen C3809899, MONDO:0014247, OMIM 615552.

Allele frequency attached by ClinVar (database versions not stated): gnomAD 0.00001.
gnomAD v4.1: 3 of 1,613,776 alleles (0.00019%); highest among the groups gnomAD compares: African/African-American, 0.0013%; no homozygotes.

Submission:

Labcorp Genetics (formerly Invitae), Labcorp
Classification: Uncertain significance for Familial episodic pain syndrome with predominantly lower limb involvement; Hereditary sensory and autonomic neuropathy type 7. Last evaluated: 2021-08-07. Review status: criteria provided, single submitter. Criteria: Invitae Variant Classification Sherloc (09022015). Collection method: clinical testing. Allele origin: germline.
Comment: This variant has not been reported in the literature in individuals with SCN11A-related conditions. Algorithms developed to predict the effect of missense changes on protein structure and function are either unavailable or do not agree on the potential impact of this missense change (SIFT: "Deleterious"; PolyPhen-2: "Benign"; Align-GVGD: "Class C55"). In summary, the available evidence is currently insufficient to determine the role of this variant in disease. Therefore, it has been classified as a Variant of Uncertain Significance. This variant is not present in population databases (ExAC no frequency). This sequence change replaces alanine with valine at codon 622 of the SCN11A protein (p.Ala622Val). The alanine residue is highly conserved and there is a small physicochemical difference between alanine and valine.